The following is an entry in ClinVar:

NM_000321.3(RB1):c.67C>A (p.Pro23Thr)

Gene: RB1 (RB transcriptional corepressor 1; plus strand). Cytogenetic location: 13q14.2.
Variant type: single nucleotide variant.
Coding change: c.67C>A on transcript NM_000321.3 (MANE Select); coding-DNA position 67, C replaced by A.
Protein change: p.Pro23Thr; replaces proline 23 with threonine.
Molecular consequence: missense variant.
Genome position (GRCh38, 1-based): chr13:48,303,979, C>A. VCF-style: chr13-48303979-C-A. GRCh37 (hg19) VCF-style: chr13-48878115-C-A.
Other names: short protein forms P23T.
Identifiers: ClinVar variation 949259 (VCV000949259.9), dbSNP rs1349657979, ClinGen allele CA388250259.
Genomic context (GRCh38, chr13:48,303,979, plus strand): 5'-CCCAAAACCCCCCGAAAAACGGCCGCCACCGCCGCCGCTGCCGCCGCGGAACCCCCGGCA[C>A]CGCCGCCGCCGCCCCCTCCTGAGGAGGACCCAGAGCAGGACAGCGGCCCGGAGGACCTGC-3'
Protein context (NP_000312.2, residues 13-33): AAAAAAEPPA[Pro23Thr]PPPPPPEEDP

ClinVar aggregate classification (germline): Uncertain significance. Review status: criteria provided, multiple submitters, no conflicts (2 of 4 stars). 2 submissions from 2 submitters: Uncertain significance (2). Last evaluated 2025-07-08.

Conditions:
Hereditary cancer-predisposing syndrome. Also called: Hereditary neoplastic syndrome; Neoplastic Syndromes, Hereditary; Tumor predisposition; Hereditary Cancer Syndrome. Identifiers: Orphanet 140162, MedGen C0027672, MeSH D009386, MONDO:0015356.
Retinoblastoma (RB1). Also called: RETINOBLASTOMA, SOMATIC. Identifiers: Orphanet 790, MedGen C0035335, MeSH D012175, MONDO:0008380, OMIM 180200, HP:0009919. Disease mechanism: loss of function. Inheritance: Both sporadic and heritable forms are tested..

gnomAD v4.1: 11 of 1,496,988 alleles (0.00073%); highest among the groups gnomAD compares: Non-Finnish European, 0.00097%; no homozygotes.

Submissions (2):

Ambry Genetics
Classification: Uncertain significance for Hereditary cancer-predisposing syndrome. Last evaluated: 2025-07-08. Review status: criteria provided, single submitter. Criteria: Ambry Variant Classification Scheme 2023. Collection method: clinical testing. Allele origin: germline.
Comment: The p.P23T variant (also known as c.67C>A), located in coding exon 1 of the RB1 gene, results from a C to A substitution at nucleotide position 67. The proline at codon 23 is replaced by threonine, an amino acid with highly similar properties. This amino acid position is highly conserved in available vertebrate species. In addition, the in silico prediction for this alteration is inconclusive. Based on the available evidence, the clinical significance of this variant remains unclear.

Labcorp Genetics (formerly Invitae), Labcorp
Classification: Uncertain significance for Retinoblastoma. Last evaluated: 2023-10-05. Review status: criteria provided, single submitter. Criteria: Invitae Variant Classification Sherloc (09022015). Collection method: clinical testing. Allele origin: germline.
Comment: This sequence change replaces proline, which is neutral and non-polar, with threonine, which is neutral and polar, at codon 23 of the RB1 protein (p.Pro23Thr). This variant is not present in population databases (gnomAD no frequency). This variant has not been reported in the literature in individuals affected with RB1-related conditions. ClinVar contains an entry for this variant (Variation ID: 949259). Advanced modeling of protein sequence and biophysical properties (such as structural, functional, and spatial information, amino acid conservation, physicochemical variation, residue mobility, and thermodynamic stability) has been performed at Invitae for this missense variant, however the output from this modeling did not meet the statistical confidence thresholds required to predict the impact of this variant on RB1 protein function. In summary, the available evidence is currently insufficient to determine the role of this variant in disease. Therefore, it has been classified as a Variant of Uncertain Significance.